The following is an entry in ClinVar:

NM_002582.4(PARN):c.925del (p.Ser309fs)

Gene: PARN (poly(A)-specific ribonuclease; minus strand). Cytogenetic location: 16p13.12.
Variant type: Deletion.
Coding change: c.925del on transcript NM_002582.4 (MANE Select); coding-DNA position 925, one base deleted (A; older notation c.925delA).
Protein change: p.Ser309fs; shifts the reading frame from serine 309.
Molecular consequence: frameshift variant.
Genome position (GRCh38, 1-based): chr16:14,586,355, T deleted on the plus strand (A on the coding strand, the reverse complement: PARN is on the minus strand); the first of 2 consecutive T bases (chr16:14,586,355-14,586,356); deleting either gives the same sequence. VCF-style (leftmost placement, unchanged base first): chr16-14586354-CT-C. GRCh37 (hg19) VCF-style: chr16-14680211-CT-C.
Other names: c.742del, p.Ser248fs (NM_001134477.3); c.787del, p.Ser263fs (NM_001242992.2); short protein forms S248fs, S263fs, S309fs.
Identifiers: ClinVar variation 3759298 (VCV003759298.2).
Genomic context (GRCh38, chr16:14,586,354, plus strand): 5'-GACAAATCCTCAAAGAAAGCTTACCTGGGGAAAACACATGTTGTCATCTCTTTAAACTCA[CT>C]TAAGTCCTAAAGAACAAGAGAAGGACTTGTTACAATTTTCCTAATACACTCGCAGTATTA-3'

ClinVar aggregate classification (germline): Pathogenic (1 of 4 stars; one submission).

Conditions:
Dyskeratosis congenita, autosomal recessive 6 (DKCB6). Identifiers: MedGen C4225356, MONDO:0014600, OMIM 616353.
Pulmonary fibrosis and/or bone marrow failure, Telomere-related, 4. Also called: PULMONARY FIBROSIS AND/OR BONE MARROW FAILURE SYNDROME, TELOMERE-RELATED, 4. Identifiers: Orphanet 2032, MedGen C4225347, MONDO:0014612, OMIM 616371.

Submission:

Labcorp Genetics (formerly Invitae), Labcorp
Classification: Pathogenic for Dyskeratosis congenita, autosomal recessive 6; Pulmonary fibrosis and/or bone marrow failure, Telomere-related, 4. Last evaluated: 2024-10-05. Review status: criteria provided, single submitter. Criteria: Invitae Variant Classification Sherloc (09022015). Collection method: clinical testing. Allele origin: germline.
Comment: This sequence change creates a premature translational stop signal (p.Ser309Valfs*6) in the PARN gene. It is expected to result in an absent or disrupted protein product. Loss-of-function variants in PARN are known to be pathogenic (PMID: 9736620, 25848748, 26810774). This variant is not present in population databases (gnomAD no frequency). This variant has not been reported in the literature in individuals affected with PARN-related conditions. For these reasons, this variant has been classified as Pathogenic.

Literature cited by the submitters: PubMed 9736620; PubMed 25848748; PubMed 26810774.